The following is an entry in ClinVar:

NM_001378778.1(MPDZ):c.4381G>A (p.Glu1461Lys)

Gene: MPDZ (multiple PDZ domain crumbs cell polarity complex component; minus strand). Cytogenetic location: 9p23.
Variant type: single nucleotide variant.
Coding change: c.4381G>A on transcript NM_001378778.1 (MANE Select); coding-DNA position 4381, G replaced by A.
Protein change: p.Glu1461Lys; replaces glutamic acid 1461 with lysine.
Molecular consequence: missense variant.
Genome position (GRCh38, 1-based): chr9:13,136,094, C>T on the plus strand (G>A on the coding strand, the complement: MPDZ is on the minus strand). VCF-style: chr9-13136094-C-T. GRCh37 (hg19) VCF-style: chr9-13136093-C-T.
Other names: c.4282G>A, p.Glu1428Lys (NM_001261406.2, NM_001261407.2, NM_001375416.1 and 3 more transcripts); c.4381G>A, p.Glu1461Lys (NM_001330637.2, NM_001375413.1, NM_003829.5); c.4171G>A, p.Glu1391Lys (NM_001375420.1, NM_001375421.1, NM_001375422.1 and 4 more transcripts); c.3973G>A, p.Glu1325Lys (NM_001375427.1); short protein forms E1391K, E1428K, E1325K, E1461K.
Identifiers: ClinVar variation 1364901 (VCV001364901.6), dbSNP rs1375798424, ClinGen allele CA372948611.

ClinVar aggregate classification (germline): Uncertain significance (1 of 4 stars; one submission).

Allele frequency attached by ClinVar (database versions not stated): gnomAD exomes below 0.00001; TOPMed below 0.00001.
gnomAD v4.1: 2 of 1,598,148 alleles (0.00013%); highest among the groups gnomAD compares: East Asian, 0.0045%; no homozygotes.

Submission:

Labcorp Genetics (formerly Invitae), Labcorp
Classification: Uncertain significance. Last evaluated: 2022-11-22. Review status: criteria provided, single submitter. Criteria: Invitae Variant Classification Sherloc (09022015). Collection method: clinical testing. Allele origin: germline.
Comment: In summary, the available evidence is currently insufficient to determine the role of this variant in disease. Therefore, it has been classified as a Variant of Uncertain Significance. Algorithms developed to predict the effect of missense changes on protein structure and function are either unavailable or do not agree on the potential impact of this missense change (SIFT: "Deleterious"; PolyPhen-2: "Benign"; Align-GVGD: "Class C55"). ClinVar contains an entry for this variant (Variation ID: 1364901). This variant has not been reported in the literature in individuals affected with MPDZ-related conditions. This variant is not present in population databases (gnomAD no frequency). This sequence change replaces glutamic acid, which is acidic and polar, with lysine, which is basic and polar, at codon 1461 of the MPDZ protein (p.Glu1461Lys).